The following is an entry in ClinVar:

ClinVar aggregate classification (germline): Conflicting classifications of pathogenicity. Review status: criteria provided, conflicting classifications (1 of 4 stars). 19 submissions from 19 submitters: Pathogenic (11); Likely pathogenic (3); Uncertain significance (1). 4 of the submissions do not count toward it. Last evaluated 2026-03-18.

Conditions:
Inborn genetic diseases. Identifiers: MedGen C0950123, MeSH D030342.
AGXT-related disorder. Also called: AGXT-related condition.
Primary hyperoxaluria. Identifiers: Orphanet 416, MedGen C0020501, MONDO:0002474.
Primary hyperoxaluria, type I (HP1). Also called: GLYCOLIC ACIDURIA; HEPATIC AGT DEFICIENCY; OXALOSIS I; Primary hyperoxaluria type 1. Identifiers: Orphanet 416, Orphanet 93598, MedGen C0268164, MONDO:0009823, OMIM 259900. Disease mechanism: loss of function.

Allele frequency attached by ClinVar (database versions not stated): 1000 Genomes Project 30x 0.00016; TOPMed 0.00010.

Submissions 1 to 12 of 19:

PreventionGenetics, part of Exact Sciences
Classification: Pathogenic for AGXT-related condition. Last evaluated: 2026-03-18. Review status: criteria provided, single submitter. Criteria: ACMG Guidelines, 2015. Collection method: clinical testing. Allele origin: germline.
Comment: The AGXT c.32C>G variant is predicted to result in the amino acid substitution p.Pro11Arg. This variant has been reported in both the homozygous state and compound heterozygous state with another AGXT variant in multiple individuals with primary hyperoxaluria (Williams et al. 2009. PubMed ID: 19479957; Tammachote et al. 2012. PubMed ID: 22821680; Lin et al. 2021. PubMed ID: 33721035; Table S2, Zhao et al. 2022. PubMed ID: 35149915; Liu et al. 2023. PubMed ID: 37306718; Saha et al. 2023. PubMed ID: 37464296). In vitro studies demonstrate this variant results in decreased enzyme activity compared to control (Williams et al. 2009. PubMed ID: 19479957; Tammachote et al. 2012. PubMed ID: 22821680). This variant is reported in 0.14% of alleles in individuals of East Asian descent in gnomAD, and is classified as pathogenic/likely pathogenic by several submitters to the ClinVar database (Variation ID: 204069). Taken together, this variant is interpreted as pathogenic.

Labcorp Genetics (formerly Invitae), Labcorp
Classification: Pathogenic. Last evaluated: 2026-01-24. Review status: criteria provided, single submitter. Criteria: Invitae Variant Classification Sherloc (09022015). Collection method: clinical testing. Allele origin: germline.
Comment: This sequence change replaces proline, which is neutral and non-polar, with arginine, which is basic and polar, at codon 11 of the AGXT protein (p.Pro11Arg). This variant is present in population databases (rs34116584, gnomAD 0.1%), including at least one homozygous and/or hemizygous individual. This missense change has been observed in individual(s) with primary hyperoxaluria (PMID: 22821680, 32556641). In at least one individual the data is consistent with being in trans (on the opposite chromosome) from a pathogenic variant. ClinVar contains an entry for this variant (Variation ID: 204069). Invitae Evidence Modeling of protein sequence and biophysical properties (such as structural, functional, and spatial information, amino acid conservation, physicochemical variation, residue mobility, and thermodynamic stability) indicates that this missense variant is expected to disrupt AGXT protein function with a positive predictive value of 95%. Experimental studies have shown that this missense change affects AGXT function (PMID: 22821680). For these reasons, this variant has been classified as Pathogenic.

Natera, Inc.
Classification: Pathogenic for Primary hyperoxaluria type I. Last evaluated: 2025-11-20. Review status: criteria provided, single submitter. Criteria: Natera Variant Classification Schema (03/2026). Collection method: clinical testing. Allele origin: germline.
Comment: The c.32C>G variant in AGXT is a missense variant predicted to cause substitution of proline to arginine at amino acid 11. This variant is rare in the general population with a frequency below the threshold expected for the associated phenotype(s). This variant has been observed in at least one unaffected individual, with a zygosity that is consistent with the inheritance pattern for the associated condition (in gnomAD and/or literature). This variant has been observed in one or more individuals affected with the associated recessive disease, as either homozygous or compound heterozygous with a second variant (PMID: 22821680, 32556641, 35149915). This variant has been identified in one or more affected individual with a phenotype highly consistent with the associated gene (PMID: 34995728). This variant has been found together with another disease-causing variant in the same copy of the gene (PMID: 37464296). Functional studies show that this variant may disrupt protein function (PMID: 22821680, 19479957). Computational prediction algorithms indicate this variant is likely to affect gene or protein function. Given the available evidence, this variant is classified as Pathogenic.

Women's Health and Genetics/Laboratory Corporation of America, LabCorp
Classification: Pathogenic for Primary hyperoxaluria. Last evaluated: 2025-09-15. Review status: criteria provided, single submitter. Criteria: LabCorp Variant Classification Summary - May 2015. Collection method: clinical testing. Allele origin: germline.
Comment: Variant summary: AGXT c.32C>G (p.Pro11Arg) results in a non-conservative amino acid change in the encoded protein sequence. Algorithms developed to predict the effect of missense changes on protein structure and function all suggest that this variant is likely to be disruptive. The variant allele was found at a frequency of 0.00016 in 246986 control chromosomes in the gnomAD database, including 1 homozygote. This frequency is not significantly higher than estimated for disease-causing variants in AGXT, allowing no conclusion about variant significance. c.32C>G has been observed in multiple individuals affected with Primary Hyperoxaluria Type 1 (e.g. Williams_2009, Tammachote_2012, Krishnamurthy_2017, Zhao_2020, Lin_2021, Zhao_2022, Saha_2023). These data indicate that the variant is very likely to be associated with disease. Additionally, at least two publications report experimental evidence evaluating an impact on protein function and found that the variant results in reduced enzyme activity (e.g. Williams_2009, Tammachote_2012). The following publications have been ascertained in the context of this evaluation (PMID: 28904440, 33721035, 37464296, 22821680, 37144129, 19479957, 33691640, 32556641, 35149915). ClinVar contains an entry for this variant (Variation ID: 204069). Based on the evidence outlined above, the variant was classified as pathogenic.

Ambry Genetics
Classification: Likely pathogenic for Inborn genetic diseases. Last evaluated: 2025-07-01. Review status: criteria provided, single submitter. Criteria: Ambry Variant Classification Scheme 2023. Collection method: clinical testing. Allele origin: germline.
Comment: The c.32C>G (p.P11R) alteration is located in exon 1 (coding exon 1) of the AGXT gene. This alteration results from a C to G substitution at nucleotide position 32, causing the proline (P) at amino acid position 11 to be replaced by an arginine (R). Based on data from gnomAD, the G allele has an overall frequency of 0.016% (43/278024) total alleles studied. The highest observed frequency was 0.141% (28/19896) of East Asian alleles. This variant has been identified in the homozygous state and/or in conjunction with other AGXT variant(s) in individual(s) with features consistent with primary hyperoxaluria type 1; in at least one instance, the variants were identified in trans (Tammachote, 2012; Lin, 2021; Zhao, 2021; Zhao, 2022; Liu, 2023; Wang, 2023; Wu, 2023). This amino acid position is highly conserved in available vertebrate species. In an assay testing AGXT function, this variant showed a functionally indeterminant result (Tammachote, 2012). This alteration is predicted to be deleterious by in silico analysis. Based on the available evidence, this alteration is classified as likely pathogenic.

First Genomix Gene Laboratory, Genetic Diagnostics Department
Classification: Pathogenic for Primary hyperoxaluria, type I. Last evaluated: 2025-01-08. Review status: criteria provided, single submitter. Criteria: ACMG Guidelines, 2015. Collection method: clinical testing. Allele origin: germline. Inheritance: Autosomal recessive inheritance. Affected: no. Observed: 1 variant allele.

GeneDx
Classification: Pathogenic. Last evaluated: 2024-09-18. Review status: criteria provided, single submitter. Criteria: GeneDx Variant Classification Process June 2021. Collection method: clinical testing. Allele origin: germline. Affected: yes.
Comment: Published functional studies demonstrate showed that p.(P11R) reduced the enzymatic activity to about 31% of the wild-type (PMID: 22821680); In silico analysis supports that this missense variant has a deleterious effect on protein structure/function; This variant is associated with the following publications: (PMID: 32102150, 19479957, 31589614, 28904440, 33691640, 22821680, 32556641, 33721035, 35149915, 31328266, 32508047, Saha[article]2021, 37464296, 37306718, 38977330, 30341509, 32792227, 37874369)

CeGaT Center for Human Genetics Tuebingen
Classification: Pathogenic. Last evaluated: 2024-09-01. Review status: criteria provided, single submitter. Criteria: CeGaT Center For Human Genetics Tuebingen Variant Classification Criteria Version 2. Collection method: clinical testing. Allele origin: germline. Affected: yes. Observed: 2 variant alleles.
Comment: AGXT: PM3:Very Strong, PM2:Supporting, PP4, PS3:Supporting

Fulgent Genetics
Classification: Pathogenic for Primary hyperoxaluria, type I. Last evaluated: 2024-06-23. Review status: criteria provided, single submitter. Criteria: ACMG Guidelines, 2015. Collection method: clinical testing. Allele origin: germline.

Blueprint Genetics
Classification: Uncertain significance. Last evaluated: 2024-02-29. Review status: criteria provided, single submitter. Criteria: ACMG Guidelines, 2015. Collection method: clinical testing. Allele origin: germline.

Laboratory of Medical Genetics, National & Kapodistrian University of Athens
Classification: Pathogenic for Primary hyperoxaluria, type I. Last evaluated: 2024-02-01. Review status: criteria provided, single submitter. Criteria: ACMG Guidelines, 2015. Collection method: curation. Allele origin: germline. Affected: no.

Revvity Omics, Revvity
Classification: Pathogenic for Primary hyperoxaluria, type I. Last evaluated: 2023-01-10. Review status: criteria provided, single submitter. Criteria: ACMG Guidelines, 2015. Collection method: clinical testing. Allele origin: germline.

NM_000030.3(AGXT):c.32C>G (p.Pro11Arg)

Gene: AGXT (alanine--glyoxylate aminotransferase; plus strand). Cytogenetic location: 2q37.3.
Variant type: single nucleotide variant.
Coding change: c.32C>G on transcript NM_000030.3 (MANE Select); coding-DNA position 32, C replaced by G.
Protein change: p.Pro11Arg; replaces proline 11 with arginine.
Molecular consequence: missense variant.
Genome position (GRCh38, 1-based): chr2:240,868,897, C>G. VCF-style: chr2-240868897-C-G. GRCh37 (hg19) VCF-style: chr2-241808314-C-G.
Other names: short protein forms P11R.
Identifiers: ClinVar variation 204069 (VCV000204069.73), dbSNP rs34116584, ClinGen allele CA275621.